The following is an entry in ClinVar:

ClinVar aggregate classification (germline): Uncertain significance (1 of 4 stars; one submission).

Submission:

GeneDx
Classification: Uncertain significance. Last evaluated: 2022-07-08. Review status: criteria provided, single submitter. Criteria: GeneDx Variant Classification Process June 2021. Collection method: clinical testing. Allele origin: germline. Affected: yes.
Comment: Not observed at significant frequency in large population cohorts (gnomAD); In silico analysis supports that this missense variant does not alter protein structure/function; Has not been previously published as pathogenic or benign to our knowledge

NM_005477.3(HCN4):c.236G>C (p.Gly79Ala)

Gene: HCN4 (hyperpolarization activated cyclic nucleotide gated potassium channel 4; minus strand). Cytogenetic location: 15q24.1.
Variant type: single nucleotide variant.
Coding change: c.236G>C on transcript NM_005477.3 (MANE Select); coding-DNA position 236, G replaced by C.
Protein change: p.Gly79Ala; replaces glycine 79 with alanine.
Molecular consequence: missense variant.
Genome position (GRCh38, 1-based): chr15:73,368,035, C>G on the plus strand (G>C on the coding strand, the complement: HCN4 is on the minus strand). VCF-style: chr15-73368035-C-G. GRCh37 (hg19) VCF-style: chr15-73660376-C-G.
Other names: short protein forms G79A.
Identifiers: ClinVar variation 451282 (VCV000451282.4), dbSNP rs1555479039, ClinGen allele CA393098629.